The following is an entry in ClinVar:

NM_005677.4(COLQ):c.118del (p.Leu40fs)

Gene: COLQ (collagen like tail subunit of asymmetric acetylcholinesterase; minus strand). Cytogenetic location: 3p25.1.
Variant type: Deletion.
Coding change: c.118del on transcript NM_005677.4 (MANE Select); coding-DNA position 118, one base deleted (C; older notation c.118delC).
Protein change: p.Leu40fs; shifts the reading frame from leucine 40.
Molecular consequence: frameshift variant.
Genome position (GRCh38, 1-based): chr3:15,489,626, G deleted on the plus strand (C on the coding strand, the reverse complement: COLQ is on the minus strand); the first of 2 consecutive G bases (chr3:15,489,626-15,489,627); deleting either gives the same sequence. VCF-style (leftmost placement, unchanged base first): chr3-15489625-AG-A. GRCh37 (hg19) VCF-style: chr3-15531132-AG-A.
Other names: c.88del, p.Leu30fs (NM_080538.2); c.118del, p.Leu40fs (NM_080539.4); short protein forms L30fs, L40fs.
Identifiers: ClinVar variation 2716578 (VCV002716578.3), dbSNP rs2470924083, ClinGen allele CA2697550712.

ClinVar aggregate classification (germline): Pathogenic (1 of 4 stars; one submission).

Conditions:
Congenital myasthenic syndrome 5. Identifiers: Orphanet 590, MedGen C1864233, MONDO:0011281, OMIM 603034.

Submission:

Labcorp Genetics (formerly Invitae), Labcorp
Classification: Pathogenic for Congenital myasthenic syndrome 5. Last evaluated: 2025-06-09. Review status: criteria provided, single submitter. Criteria: Invitae Variant Classification Sherloc (09022015). Collection method: clinical testing. Allele origin: germline.
Comment: This sequence change creates a premature translational stop signal (p.Leu40Trpfs*15) in the COLQ gene. It is expected to result in an absent or disrupted protein product. Loss-of-function variants in COLQ are known to be pathogenic (PMID: 22678886). This variant is not present in population databases (gnomAD no frequency). This variant has not been reported in the literature in individuals affected with COLQ-related conditions. ClinVar contains an entry for this variant (Variation ID: 2716578). For these reasons, this variant has been classified as Pathogenic.

Literature cited by the submitters: PubMed 22678886.